The following is an entry in ClinVar:

NM_198253.3(TERT):c.12T>C (p.Ala4=)

Genes: TERT (telomerase reverse transcriptase; minus strand), LOC110806263 (TERT 5' regulatory region; plus strand). Cytogenetic location: 5p15.33.
Variant type: single nucleotide variant.
Coding change: c.12T>C on transcript NM_198253.3 (MANE Select); coding-DNA position 12, T replaced by C.
Protein change: p.Ala4=; no amino-acid change (alanine 4 retained).
Molecular consequence: synonymous variant. On other transcripts: non-coding transcript variant (2).
Genome position (GRCh38, 1-based): chr5:1,294,978, A>G on the plus strand (T>C on the coding strand, the complement: TERT is on the minus strand). VCF-style: chr5-1294978-A-G. GRCh37 (hg19) VCF-style: chr5-1295093-A-G.
Other names: c.12T>C, p.Ala4= (NM_001193376.3).
Identifiers: ClinVar variation 416313 (VCV000416313.15), dbSNP rs1060504797, ClinGen allele CA16611737.
Genomic context (GRCh38, chr5:1,294,978, plus strand): 5'-CAGCGGCAGCACCTCGCGGTAGTGGCTGCGCAGCAGGGAGCGCACGGCTCGGCAGCGGGG[A>G]GCGCGCGGCATCGCGGGGGTGGCCGGGGCCAGGGCTTCCCACGTGCGCAGCAGGACGCAG-3'
Protein context (NP_937983.2, residues 1-14): MPR[Ala4=]PRCRAVRSLL

ClinVar aggregate classification (germline): Likely benign. Review status: criteria provided, multiple submitters, no conflicts (2 of 4 stars). 3 submissions from 3 submitters: Likely benign (2). 1 of the submissions does not count toward it. Last evaluated 2024-02-16.

Conditions:
Idiopathic Pulmonary Fibrosis. Also called: Idiopathic fibrosing alveolitis, chronic form; idiopathic fibrosing alveolitis. Identifiers: Orphanet 2032, MedGen C1800706, MeSH D054990, MONDO:0800504.
Dyskeratosis congenita, autosomal dominant 2. Identifiers: MedGen C3151443, MONDO:0013521, OMIM 613989.
TERT-related disorder. Also called: TERT-related condition; TERT-related disorders.
Dyskeratosis congenita. Identifiers: Orphanet 1775, MedGen C0265965, MONDO:0015780.

Allele frequency attached by ClinVar (database versions not stated): gnomAD 0.00001; gnomAD exomes 0.00003.
gnomAD v4.1: 37 of 1,324,526 alleles (0.0028%); highest among the groups gnomAD compares: Non-Finnish European, 0.0033%; no homozygotes.

Submissions (3):

Labcorp Genetics (formerly Invitae), Labcorp
Classification: Likely benign for Dyskeratosis congenita, autosomal dominant 2; Idiopathic Pulmonary Fibrosis. Last evaluated: 2024-02-16. Review status: criteria provided, single submitter. Criteria: Invitae Variant Classification Sherloc (09022015). Collection method: clinical testing. Allele origin: germline.

Ambry Genetics
Classification: Likely benign for Dyskeratosis congenita. Last evaluated: 2022-04-07. Review status: criteria provided, single submitter. Criteria: Ambry Variant Classification Scheme 2023. Collection method: clinical testing. Allele origin: germline.

PreventionGenetics, part of Exact Sciences
Classification: Likely benign for TERT-related condition. Last evaluated: 2024-08-06. Review status: no assertion criteria provided. Collection method: clinical testing. Allele origin: germline. Not counted in ClinVar's aggregate classification.
Comment: This variant is classified as likely benign based on ACMG/AMP sequence variant interpretation guidelines (Richards et al. 2015 PMID: 25741868, with internal and published modifications).